The following is an entry in ClinVar:

ClinVar aggregate classification (germline): Uncertain significance. Review status: criteria provided, multiple submitters, no conflicts (2 of 4 stars). 2 submissions from 2 submitters: Uncertain significance (2). Last evaluated 2024-09-16.

Conditions:
Hereditary cancer-predisposing syndrome. Also called: Hereditary neoplastic syndrome; Neoplastic Syndromes, Hereditary; Hereditary Cancer Syndrome; Tumor predisposition. Identifiers: Orphanet 140162, MedGen C0027672, MeSH D009386, MONDO:0015356.

Submissions (2):

Ambry Genetics
Classification: Uncertain significance for Hereditary cancer-predisposing syndrome. Last evaluated: 2024-09-16. Review status: criteria provided, single submitter. Criteria: Ambry Variant Classification Scheme 2023. Collection method: clinical testing. Allele origin: germline.
Comment: The p.N2126K variant (also known as c.6378C>A), located in coding exon 46 of the POLE gene, results from a C to A substitution at nucleotide position 6378. The asparagine at codon 2126 is replaced by lysine, an amino acid with similar properties. This amino acid position is conserved. In addition, this alteration is predicted to be tolerated by in silico analysis. Based on the available evidence, the clinical significance of this variant remains unclear.

Labcorp Genetics (formerly Invitae), Labcorp
Classification: Uncertain significance. Last evaluated: 2023-12-18. Review status: criteria provided, single submitter. Criteria: Invitae Variant Classification Sherloc (09022015). Collection method: clinical testing. Allele origin: germline.
Comment: This sequence change replaces asparagine, which is neutral and polar, with lysine, which is basic and polar, at codon 2126 of the POLE protein (p.Asn2126Lys). This variant is not present in population databases (gnomAD no frequency). This variant has not been reported in the literature in individuals affected with POLE-related conditions. Advanced modeling of protein sequence and biophysical properties (such as structural, functional, and spatial information, amino acid conservation, physicochemical variation, residue mobility, and thermodynamic stability) performed at Invitae indicates that this missense variant is not expected to disrupt POLE protein function with a negative predictive value of 80%. In summary, the available evidence is currently insufficient to determine the role of this variant in disease. Therefore, it has been classified as a Variant of Uncertain Significance.

NM_006231.4(POLE):c.6378C>A (p.Asn2126Lys)

Gene: POLE (DNA polymerase epsilon, catalytic subunit; minus strand). Cytogenetic location: 12q24.33.
Variant type: single nucleotide variant.
Coding change: c.6378C>A on transcript NM_006231.4 (MANE Select); coding-DNA position 6378, C replaced by A.
Protein change: p.Asn2126Lys; replaces asparagine 2126 with lysine.
Molecular consequence: missense variant.
Genome position (GRCh38, 1-based): chr12:132,626,270, G>T on the plus strand (C>A on the coding strand, the complement: POLE is on the minus strand). VCF-style: chr12-132626270-G-T. GRCh37 (hg19) VCF-style: chr12-133202856-G-T.
Other names: c.6378C>A (NM_006231.2); short protein forms N2126K.
Identifiers: ClinVar variation 2703860 (VCV002703860.4), dbSNP rs1358208213, ClinGen allele CA387367756.
Genomic context (GRCh38, chr12:132,626,270, plus strand): 5'-GTCTCGGAACTGGGCCTCCTCGGAGAACTCGCCGACATCCACCAGGCGAAGCAGGTCTCG[G>T]TTCAGCTTATTCACCTGGTTTGTGATGTTGGTGTCCAGGGACAGCACCTGCAGAGACCAC-3'
Protein context (NP_006222.2, residues 2116-2136): TNITNQVNKL[Asn2126Lys]RDLLRLVDVG